The following is an entry in ClinVar:

GRCh37/hg19 Xq28(chrX:154502832-154633634)x4

Genes: CLIC2 (chloride intracellular channel 2; minus strand), F8A2 (coagulation factor VIII associated 2; plus strand), H2AB2 (H2A.B variant histone 2; plus strand). Cytogenetic location: Xq28.
Variant type: copy number gain.
Change: copy number 4 of chrX:154,502,832-154,633,634 (130.8 kb, GRCh37 coordinates, 1-based), cytogenetic band Xq28.
Identifiers: ClinVar variation 1808688 (VCV001808688.1).

ClinVar aggregate classification (germline): Likely pathogenic (1 of 4 stars; one submission).

Submission:

Quest Diagnostics Nichols Institute San Juan Capistrano
Classification: Likely pathogenic. Last evaluated: 2022-05-31. Review status: criteria provided, single submitter. Criteria: ACMG/ClinGen CNV Guidelines, 2019. Collection method: clinical testing. Allele origin: unknown.
Comment: The Xq28 copy number gain is located within the int22h1/int22h2-mediated Xq28 duplication syndrome region (OMIM 300815). The duplicated region between int22h1 and int22h2 includes several genes and the most likely candidates are CLIC2 (OMIM 300138) and RAB39B (OMIM 300774). This X-linked intellectual disability syndrome is characterized by cognitive impairment, behavioral and psychiatric problems, recurrent infections and atopic diseases, obesity, and distinctive facial features in males. Females heterozygous for this duplication exhibit a milder phenotype (with learning difficulties and distinctive facies) or are clinically unaffected. However, no clear correlation between the X-chromosome inactivation pattern and the cognitive phenotypes was evident: random and skewed patterns occurred in both cognitively normal and cognitively impaired females (El-Hattab et al., BMC Med Genet. 2015 Mar 14;16:12., PMID: 25927380; Isrie et al., Eur J Med Genet. 2012 Nov;55(11):577-85. PMID: 22659343; GeneReviews).